The following is an entry in ClinVar:

ClinVar aggregate classification (germline): Conflicting classifications of pathogenicity. Review status: criteria provided, conflicting classifications (1 of 4 stars). 3 submissions from 3 submitters: Uncertain significance (2); Likely benign (1). Last evaluated 2025-03-18.

Allele frequency attached by ClinVar (database versions not stated): gnomAD 0.00001 and 0.00006; TOPMed 0.00001; gnomAD exomes 0.00009 and 0.00019; ExAC 0.00019.
gnomAD v4.1: 146 of 1,614,006 alleles (0.009%); highest among the groups gnomAD compares: South Asian, 0.13%; 1 homozygote.

Submissions (3):

Labcorp Genetics (formerly Invitae), Labcorp
Classification: Uncertain significance. Last evaluated: 2025-03-18. Review status: criteria provided, single submitter. Criteria: Invitae Variant Classification Sherloc (09022015). Collection method: clinical testing. Allele origin: germline.
Comment: This sequence change replaces arginine, which is basic and polar, with glutamine, which is neutral and polar, at codon 177 of the NDUFB9 protein (p.Arg177Gln). This variant is present in population databases (rs780144498, gnomAD 0.2%), and has an allele count higher than expected for a pathogenic variant. This variant has not been reported in the literature in individuals affected with NDUFB9-related conditions. ClinVar contains an entry for this variant (Variation ID: 291159). An algorithm developed to predict the effect of missense changes on protein structure and function outputs the following: PolyPhen-2: "Benign". The glutamine amino acid residue is found in multiple mammalian species, which suggests that this missense change does not adversely affect protein function. In summary, the available evidence is currently insufficient to determine the role of this variant in disease. Therefore, it has been classified as a Variant of Uncertain Significance.

Eurofins Ntd Llc (ga)
Classification: Uncertain significance. Last evaluated: 2016-09-22. Review status: criteria provided, single submitter. Criteria: EGL Classification Definitions 2015. Collection method: clinical testing. Allele origin: germline. Observed: 1 variant allele, 1 homozygote.

GeneDx
Classification: Likely benign. Last evaluated: 2015-04-09. Review status: criteria provided, single submitter. Criteria: GeneDx Variant Classification (06012015). Collection method: clinical testing. Allele origin: germline. Affected: yes.
Comment: This variant is considered likely benign or benign based on one or more of the following criteria: it is a conservative change, it occurs at a poorly conserved position in the protein, it is predicted to be benign by multiple in silico algorithms, and/or has population frequency not consistent with disease.

NM_005005.3(NDUFB9):c.530G>A (p.Arg177Gln)

Gene: NDUFB9 (NADH:ubiquinone oxidoreductase subunit B9; plus strand). Cytogenetic location: 8q24.13.
Variant type: single nucleotide variant.
Coding change: c.530G>A on transcript NM_005005.3 (MANE Select); coding-DNA position 530, G replaced by A.
Protein change: p.Arg177Gln; replaces arginine 177 with glutamine.
Molecular consequence: missense variant.
Genome position (GRCh38, 1-based): chr8:124,549,882, G>A. VCF-style: chr8-124549882-G-A. GRCh37 (hg19) VCF-style: chr8-125562123-G-A.
Other names: c.362G>A, p.Arg121Gln (NM_001278645.2); c.401G>A, p.Arg134Gln (NM_001278646.2); c.497G>A, p.Arg166Gln (NM_001311168.2); short protein forms R177Q, R166Q, R134Q, R121Q.
Identifiers: ClinVar variation 291159 (VCV000291159.10), dbSNP rs780144498, ClinGen allele CA4871607.